The following is an entry in ClinVar:

NM_001853.4(COL9A3):c.536C>T (p.Pro179Leu)

Gene: COL9A3 (collagen type IX alpha 3 chain; plus strand). Cytogenetic location: 20q13.33.
Variant type: single nucleotide variant.
Coding change: c.536C>T on transcript NM_001853.4 (MANE Select); coding-DNA position 536, C replaced by T.
Protein change: p.Pro179Leu; replaces proline 179 with leucine.
Molecular consequence: missense variant.
Genome position (GRCh38, 1-based): chr20:62,824,461, C>T. VCF-style: chr20-62824461-C-T. GRCh37 (hg19) VCF-style: chr20-61455813-C-T.
Other names: short protein forms P179L.
Identifiers: ClinVar variation 1302631 (VCV001302631.5), dbSNP rs758354138, ClinGen allele CA9949345.

ClinVar aggregate classification (germline): Uncertain significance. Review status: criteria provided, multiple submitters, no conflicts (2 of 4 stars). 2 submissions from 2 submitters: Uncertain significance (2). Last evaluated 2024-04-16.

Allele frequency attached by ClinVar (database versions not stated): TOPMed below 0.00001; gnomAD 0.00001; gnomAD exomes 0.00001 and 0.00002; ExAC 0.00006.
gnomAD v4.1: 12 of 1,601,784 alleles (0.00075%); highest among the groups gnomAD compares: Admixed American, 0.0017%; no homozygotes.

Submissions (2):

Labcorp Genetics (formerly Invitae), Labcorp
Classification: Uncertain significance. Last evaluated: 2024-04-16. Review status: criteria provided, single submitter. Criteria: Invitae Variant Classification Sherloc (09022015). Collection method: clinical testing. Allele origin: germline.
Comment: This sequence change replaces proline, which is neutral and non-polar, with leucine, which is neutral and non-polar, at codon 179 of the COL9A3 protein (p.Pro179Leu). The frequency data for this variant in the population databases is considered unreliable, as metrics indicate poor data quality at this position in the gnomAD database. This variant has not been reported in the literature in individuals affected with COL9A3-related conditions. ClinVar contains an entry for this variant (Variation ID: 1302631). Advanced modeling of protein sequence and biophysical properties (such as structural, functional, and spatial information, amino acid conservation, physicochemical variation, residue mobility, and thermodynamic stability) performed at Invitae indicates that this missense variant is not expected to disrupt COL9A3 protein function with a negative predictive value of 95%. In summary, the available evidence is currently insufficient to determine the role of this variant in disease. Therefore, it has been classified as a Variant of Uncertain Significance.

GeneDx
Classification: Uncertain significance. Last evaluated: 2019-04-30. Review status: criteria provided, single submitter. Criteria: GeneDx Variant Classification Process June 2021. Collection method: clinical testing. Allele origin: germline. Affected: yes.
Comment: Has not been previously published as pathogenic or benign to our knowledge; Not observed at a significant frequency in large population cohorts (Lek et al., 2016); In silico analysis, which includes protein predictors and evolutionary conservation, supports a deleterious effect